The following is an entry in ClinVar:

NM_001492.6(GDF1):c.303C>T (p.Ile101=)

Genes: CERS1 (ceramide synthase 1; minus strand), GDF1 (growth differentiation factor 1; minus strand). Cytogenetic location: 19p13.11.
Variant type: single nucleotide variant.
Coding change: c.303C>T on transcript NM_001492.6 (MANE Select); coding-DNA position 303, C replaced by T.
Protein change: p.Ile101=; no amino-acid change (isoleucine 101 retained).
Molecular consequence: synonymous variant. On other transcripts: 3 prime UTR variant (2).
Genome position (GRCh38, 1-based): chr19:18,870,005, G>A on the plus strand (C>T on the coding strand, the complement: GDF1 is on the minus strand). VCF-style: chr19-18870005-G-A. GRCh37 (hg19) VCF-style: chr19-18980814-G-A.
Other names: c.*572C>T (NM_001387440.1, NM_021267.5); c.303C>T, p.Ile101= (NM_001387438.1).
Identifiers: ClinVar variation 5041359 (VCV005041359.1).

ClinVar aggregate classification (germline): Likely benign (1 of 4 stars; one submission).

gnomAD v4.1: 29 of 1,596,228 alleles (0.0018%); highest among the groups gnomAD compares: Non-Finnish European, 0.0023%; no homozygotes.

Submission:

CeGaT Center for Human Genetics Tuebingen
Classification: Likely benign. Last evaluated: 2026-09-01. Review status: criteria provided, single submitter. Criteria: CeGaT Center For Human Genetics Tuebingen Variant Classification Criteria Version 2. Collection method: clinical testing. Allele origin: germline. Affected: yes. Observed: 1 variant allele.
Comment: GDF1: BP4, BP7